The following is an entry in ClinVar:

NM_001048174.2(MUTYH):c.364A>T (p.Thr122Ser)

Gene: MUTYH (mutY DNA glycosylase; minus strand). Cytogenetic location: 1p34.1.
Variant type: single nucleotide variant.
Coding change: c.364A>T on transcript NM_001048174.2 (MANE Select); coding-DNA position 364, A replaced by T.
Protein change: p.Thr122Ser; replaces threonine 122 with serine.
Molecular consequence: missense variant. On other transcripts: non-coding transcript variant (6), intron variant (3).
Genome position (GRCh38, 1-based): chr1:45,333,111, T>A on the plus strand (A>T on the coding strand, the complement: MUTYH is on the minus strand). VCF-style: chr1-45333111-T-A. GRCh37 (hg19) VCF-style: chr1-45798783-T-A.
Other names: c.364A>T, p.Thr122Ser (NM_001048171.2, NM_001048173.2, NM_001293195.2 and 6 more transcripts); c.367A>T, p.Thr123Ser (NM_001048172.2, NM_001407071.1, NM_001407078.1 and 2 more transcripts); c.448A>T, p.Thr150Ser (NM_001128425.2); c.409A>T, p.Thr137Ser (NM_001293190.2); c.397A>T, p.Thr133Ser (NM_001293191.2, NM_001407077.1); c.88A>T, p.Thr30Ser (NM_001293192.2, NM_001293196.2, NM_001407091.1); c.439A>T, p.Thr147Ser (NM_001407069.1, NM_012222.3); c.406A>T, p.Thr136Ser (NM_001407073.1, NM_001407083.1, NM_001407085.1); and 3 more; short protein forms T129S, T136S, T30S, T123S, T122S, T137S, T147S, T150S.
Identifiers: ClinVar variation 4113667 (VCV004113667.1).

ClinVar aggregate classification (germline): Uncertain significance (1 of 4 stars; one submission).

Conditions:
Hereditary cancer-predisposing syndrome. Also called: Hereditary neoplastic syndrome; Neoplastic Syndromes, Hereditary; Tumor predisposition; Hereditary Cancer Syndrome. Identifiers: Orphanet 140162, MedGen C0027672, MeSH D009386, MONDO:0015356.

Submission:

Ambry Genetics
Classification: Uncertain significance for Hereditary cancer-predisposing syndrome. Last evaluated: 2025-08-27. Review status: criteria provided, single submitter. Criteria: Ambry Variant Classification Scheme 2023. Collection method: clinical testing. Allele origin: germline.
Comment: The p.T150S variant (also known as c.448A>T), located in coding exon 5 of the MUTYH gene, results from an A to T substitution at nucleotide position 448. The threonine at codon 150 is replaced by serine, an amino acid with similar properties. This amino acid position is conserved. In addition, this alteration is predicted to be tolerated by in silico analysis. Based on the available evidence, the clinical significance of this variant remains unclear.